The following is an entry in ClinVar:

ClinVar aggregate classification (germline): Uncertain significance. Review status: criteria provided, multiple submitters, no conflicts (2 of 4 stars). 3 submissions from 3 submitters: Uncertain significance (3). Last evaluated 2023-03-24.

Conditions:
Hereditary cancer-predisposing syndrome. Also called: Tumor predisposition; Hereditary neoplastic syndrome; Neoplastic Syndromes, Hereditary; Hereditary Cancer Syndrome. Identifiers: Orphanet 140162, MedGen C0027672, MeSH D009386, MONDO:0015356.
Microcephaly, normal intelligence and immunodeficiency (NBS). Also called: BERLIN BREAKAGE SYNDROME; IMMUNODEFICIENCY, MICROCEPHALY, AND CHROMOSOMAL INSTABILITY; Ataxia telangiectasia variant V1; SEEMANOVA SYNDROME II; Immunodeficiency, microcephaly with normal intelligence; Nijmegen breakage syndrome. Identifiers: Orphanet 647, MedGen C0398791, MONDO:0009623, OMIM 251260.

Allele frequency attached by ClinVar (database versions not stated): gnomAD exomes below 0.00001; gnomAD 0.00001.

Submissions (3):

Labcorp Genetics (formerly Invitae), Labcorp
Classification: Uncertain significance for Microcephaly, normal intelligence and immunodeficiency. Last evaluated: 2023-03-24. Review status: criteria provided, single submitter. Criteria: Invitae Variant Classification Sherloc (09022015). Collection method: clinical testing. Allele origin: germline.
Comment: This variant has not been reported in the literature in individuals affected with NBN-related conditions. This variant is present in population databases (rs587780779, gnomAD 0.1%). This sequence change replaces alanine, which is neutral and non-polar, with threonine, which is neutral and polar, at codon 7 of the NBN protein (p.Ala7Thr). In summary, the available evidence is currently insufficient to determine the role of this variant in disease. Therefore, it has been classified as a Variant of Uncertain Significance. An algorithm developed to predict the effect of missense changes on protein structure and function (PolyPhen-2) suggests that this variant is likely to be tolerated. ClinVar contains an entry for this variant (Variation ID: 136040).

Ambry Genetics
Classification: Uncertain significance for Hereditary cancer-predisposing syndrome. Last evaluated: 2022-08-03. Review status: criteria provided, single submitter. Criteria: Ambry Variant Classification Scheme 2023. Collection method: clinical testing. Allele origin: germline.
Comment: The p.A7T variant (also known as c.19G>A), located in coding exon 1 of the NBN gene, results from a G to A substitution at nucleotide position 19. The alanine at codon 7 is replaced by threonine, an amino acid with similar properties. This alteration was not observed in unselected male breast cancer patients and was observed with an allele frequency of 0.0001 in 12,490 male controls of Japanese ancestry (Momozawa Y et al. Nat Commun, 2018 10;9:4083). This amino acid position is not well conserved in available vertebrate species. In addition, this alteration is predicted to be tolerated by in silico analysis. Since supporting evidence is limited at this time, the clinical significance of this alteration remains unclear.

Genome-Nilou Lab
Classification: Uncertain significance for Microcephaly, normal intelligence and immunodeficiency. Last evaluated: 2021-11-07. Review status: criteria provided, single submitter. Criteria: ACMG Guidelines, 2015. Collection method: clinical testing. Allele origin: germline. Affected: no.

Literature cited by the submitters: PubMed 30287823 (cited by Ambry Genetics).

NM_002485.5(NBN):c.19G>A (p.Ala7Thr)

Gene: NBN (nibrin; minus strand). Cytogenetic location: 8q21.3.
Variant type: single nucleotide variant.
Coding change: c.19G>A on transcript NM_002485.5 (MANE Select); coding-DNA position 19, G replaced by A.
Protein change: p.Ala7Thr; replaces alanine 7 with threonine.
Molecular consequence: missense variant. On other transcripts: 5 prime UTR variant (1).
Genome position (GRCh38, 1-based): chr8:89,984,543, C>T on the plus strand (G>A on the coding strand, the complement: NBN is on the minus strand). VCF-style: chr8-89984543-C-T. GRCh37 (hg19) VCF-style: chr8-90996771-C-T.
Other names: c.-278G>A (NM_001024688.3); short protein forms A7T.
Identifiers: ClinVar variation 136040 (VCV000136040.14), dbSNP rs587780779, ClinGen allele CA332820.